The following is an entry in ClinVar:

ClinVar aggregate classification (germline): Conflicting classifications of pathogenicity. Review status: criteria provided, conflicting classifications (1 of 4 stars). 9 submissions from 9 submitters: Uncertain significance (5); Benign (1); Likely benign (3). Last evaluated 2026-05-29.

Conditions:
Hereditary cancer-predisposing syndrome. Also called: Neoplastic Syndromes, Hereditary; Hereditary neoplastic syndrome; Hereditary Cancer Syndrome; Tumor predisposition. Identifiers: Orphanet 140162, MedGen C0027672, MeSH D009386, MONDO:0015356.
Facial dysmorphism-immunodeficiency-livedo-short stature syndrome. Also called: Facial dysmorphism, immunodeficiency, livedo, and short stature; FILS syndrome. Identifiers: Orphanet 352712, MedGen C3554576, MONDO:0014058, OMIM 615139.
Colorectal cancer, susceptibility to, 12 (CRCS12). Also called: COLORECTAL CANCER, SUSCEPTIBILITY TO, ON CHROMOSOME 12q24. Identifiers: Orphanet 220460, MedGen C3554460, MONDO:0014038, OMIM 615083.

Allele frequency attached by ClinVar (database versions not stated): gnomAD exomes 0.00006 and 0.00014; TOPMed 0.00005; ExAC 0.00013; gnomAD 0.00001.
gnomAD v4.1: 37 of 1,613,942 alleles (0.0023%); highest among the groups gnomAD compares: Admixed American, 0.062%; no homozygotes.

Submissions (9):

Women's Health and Genetics/Laboratory Corporation of America, LabCorp
Classification: Uncertain significance. Last evaluated: 2026-05-29. Review status: criteria provided, single submitter. Criteria: LabCorp Variant Classification Summary - May 2015. Collection method: clinical testing. Allele origin: germline.
Comment: Variant summary: POLE c.391G>T (p.Val131Leu) results in a conservative amino acid change in the encoded protein sequence. Algorithms developed to predict the effect of missense changes on protein structure and function all suggest that this variant is likely to be tolerated. The variant allele was found at a frequency of 0.00014 in 251354 control chromosomes. This frequency is not significantly higher than estimated for disease-causing variants in POLE, allowing no conclusion about variant significance. c.391G>T has been observed in individual(s) affected with astrocytoma (Muskens_2020). These report(s) do not provide unequivocal conclusions about association of the variant with disease. To our knowledge, no experimental evidence demonstrating an impact on protein function has been reported. The following publication has been ascertained in the context of this evaluation (PMID: 31970404). ClinVar contains an entry for this variant (Variation ID: 413567). Based on the evidence outlined above, the variant was classified as uncertain significance.

Labcorp Genetics (formerly Invitae), Labcorp
Classification: Likely benign. Last evaluated: 2026-01-19. Review status: criteria provided, single submitter. Criteria: Invitae Variant Classification Sherloc (09022015). Collection method: clinical testing. Allele origin: germline.

GeneDx
Classification: Uncertain significance. Last evaluated: 2024-02-27. Review status: criteria provided, single submitter. Criteria: GeneDx Variant Classification Process June 2021. Collection method: clinical testing. Allele origin: germline. Affected: yes.
Comment: In silico analysis supports that this missense variant does not alter protein structure/function; Has not been previously published as pathogenic or benign to our knowledge

St. Jude Molecular Pathology, St. Jude Children's Research Hospital
Classification: Uncertain significance for Colorectal cancer, susceptibility to, 12. Last evaluated: 2023-03-14. Review status: criteria provided, single submitter. Criteria: St. Jude Assertion Criteria 2020. Collection method: clinical testing. Allele origin: germline.
Comment: The POLE c.391G>T (p.Val131Leu) missense change has a maximum subpopulation frequency of 0.098% in gnomAD v2.1.1. The in silico tool REVEL predicts a benign effect on protein function, but to our knowledge this prediction has not been confirmed by functional studies. To our knowledge, this variant has not been reported in the literature in individuals with POLE-related disease. In summary, the evidence currently available is insufficient to determine the clinical significance of this variant. It has therefore been classified as of uncertain significance.

Ambry Genetics
Classification: Likely benign for Hereditary cancer-predisposing syndrome. Last evaluated: 2022-11-27. Review status: criteria provided, single submitter. Criteria: Ambry Variant Classification Scheme 2023. Collection method: clinical testing. Allele origin: germline.

Baylor Genetics
Classification: Uncertain significance for Facial dysmorphism-immunodeficiency-livedo-short stature syndrome. Last evaluated: 2021-02-09. Review status: criteria provided, single submitter. Criteria: ACMG Guidelines, 2015. Collection method: clinical testing. Allele origin: unknown. Affected: yes. Study: CSER-TexasKidsCanSeq.
Comment: This variant was determined to be of uncertain significance according to ACMG Guidelines, 2015 [PMID:25741868].

Sema4
Classification: Benign for Hereditary cancer-predisposing syndrome. Last evaluated: 2021-01-27. Review status: criteria provided, single submitter. Criteria: Sema4 Curation Guidelines. Collection method: curation. Allele origin: germline.

Quest Diagnostics Nichols Institute San Juan Capistrano
Classification: Likely benign. Last evaluated: 2019-10-24. Review status: criteria provided, single submitter. Criteria: Quest Diagnostics criteria. Collection method: clinical testing. Allele origin: unknown.

PreventionGenetics, part of Exact Sciences
Classification: Uncertain significance. Last evaluated: 2017-06-21. Review status: criteria provided, single submitter. Criteria: ACMG Guidelines, 2015. Collection method: clinical testing. Allele origin: germline.

Literature cited by the submitters: PubMed 31970404 (cited by Women's Health and Genetics/Laboratory Corporation of America, LabCorp).

NM_006231.4(POLE):c.391G>T (p.Val131Leu)

Gene: POLE (DNA polymerase epsilon, catalytic subunit; minus strand). Cytogenetic location: 12q24.33.
Variant type: single nucleotide variant.
Coding change: c.391G>T on transcript NM_006231.4 (MANE Select); coding-DNA position 391, G replaced by T.
Protein change: p.Val131Leu; replaces valine 131 with leucine.
Molecular consequence: missense variant.
Genome position (GRCh38, 1-based): chr12:132,679,986, C>A on the plus strand (G>T on the coding strand, the complement: POLE is on the minus strand). VCF-style: chr12-132679986-C-A. GRCh37 (hg19) VCF-style: chr12-133256572-C-A.
Other names: short protein forms V131L.
Identifiers: ClinVar variation 413567 (VCV000413567.25), dbSNP rs745601745, ClinGen allele CA6894337.
Genomic context (GRCh38, chr12:132,679,986, plus strand): 5'-ACCCCTGGAAAGTCTGGGTGATACTCACCAAGTCCAGATCCTCTTTGGGGACAGTCTCCA[C>A]TTTTGCAATTTTGCCCTGAAACTTCTTGGAGAGAAAAGATGAAACTTCTCGCTCACAACC-3'
Protein context (NP_006222.2, residues 121-141): SKKFQGKIAK[Val131Leu]ETVPKEDLDL